The following is an entry in ClinVar:

NM_001367823.1(ARHGEF18):c.968-267C>A

Gene: ARHGEF18 (Rho/Rac guanine nucleotide exchange factor 18; plus strand). Cytogenetic location: 19p13.2.
Variant type: single nucleotide variant.
Coding change: c.968-267C>A on transcript NM_001367823.1 (MANE Select); 267 bases into the intron before coding-DNA position 968, C replaced by A.
Molecular consequence: intron variant. On other transcripts: 5 prime UTR variant (1).
Genome position (GRCh38, 1-based): chr19:7,440,077, C>A. VCF-style: chr19-7440077-C-A. GRCh37 (hg19) VCF-style: chr19-7504963-C-A.
Other names: c.-26C>A (NM_001130955.2); c.-226-112C>A (NM_001367824.1); c.-71-267C>A (NM_015318.4).
Identifiers: ClinVar variation 1525774 (VCV001525774.7), dbSNP rs368141054, ClinGen allele CA403093250.

ClinVar aggregate classification (germline): Uncertain significance. Review status: criteria provided, multiple submitters, no conflicts (2 of 4 stars). 2 submissions from 2 submitters: Uncertain significance (2). Last evaluated 2021-10-08.

gnomAD v4.1: 30 of 1,550,380 alleles (0.0019%); highest among the groups gnomAD compares: Non-Finnish European, 0.0014%; no homozygotes.

Submissions (2):

Labcorp Genetics (formerly Invitae), Labcorp
Classification: Uncertain significance. Last evaluated: 2021-10-08. Review status: criteria provided, single submitter. Criteria: Invitae Variant Classification Sherloc (09022015). Collection method: clinical testing. Allele origin: germline.
Comment: In summary, the available evidence is currently insufficient to determine the role of this variant in disease. Therefore, it has been classified as a Variant of Uncertain Significance. Algorithms developed to predict the effect of sequence changes on RNA splicing suggest that this variant may create or strengthen a splice site. Algorithms developed to predict the effect of missense changes on protein structure and function output the following: SIFT: "Tolerated"; PolyPhen-2: "Benign"; Align-GVGD: "Class C0". The glutamine amino acid residue is found in multiple mammalian species, which suggests that this missense change does not adversely affect protein function. This variant has not been reported in the literature in individuals affected with ARHGEF18-related conditions. This variant is not present in population databases (ExAC no frequency). This sequence change replaces proline with glutamine at codon 46 of the ARHGEF18 protein (p.Pro46Gln). The proline residue is weakly conserved and there is a moderate physicochemical difference between proline and glutamine.

Blueprint Genetics
Classification: Uncertain significance. Last evaluated: 2020-12-23. Review status: criteria provided, single submitter. Criteria: ACMG Guidelines, 2015. Collection method: clinical testing. Allele origin: germline.